The following is an entry in ClinVar:

ClinVar aggregate classification (germline): Likely benign. Review status: criteria provided, single submitter (1 of 4 stars). 2 submissions from 2 submitters: Likely benign (1). 1 of the submissions does not count toward it. Last evaluated 2026-06-01.

Conditions:
CENPE-related disorder. Also called: CENPE-related condition.

Allele frequency attached by ClinVar (database versions not stated): ESP Exome Variant Server 0.00015; gnomAD 0.00016; ExAC 0.00017; 1000 Genomes Project 0.00020; gnomAD exomes 0.00021; 1000 Genomes Project 30x 0.00031.
gnomAD v4.1: 327 of 1,571,472 alleles (0.021%); highest among the groups gnomAD compares: Non-Finnish European, 0.026%; 1 homozygote.

Submissions (2):

CeGaT Center for Human Genetics Tuebingen
Classification: Likely benign. Last evaluated: 2026-06-01. Review status: criteria provided, single submitter. Criteria: CeGaT Center For Human Genetics Tuebingen Variant Classification Criteria Version 2. Collection method: clinical testing. Allele origin: germline. Affected: yes. Observed: 2 variant alleles.
Comment: CENPE: BP4, BP7

PreventionGenetics, part of Exact Sciences
Classification: Likely benign for CENPE-related condition. Last evaluated: 2019-09-11. Review status: no assertion criteria provided. Collection method: clinical testing. Allele origin: germline. Not counted in ClinVar's aggregate classification.
Comment: This variant is classified as likely benign based on ACMG/AMP sequence variant interpretation guidelines (Richards et al. 2015 PMID: 25741868, with internal and published modifications).

NM_001813.3(CENPE):c.6867C>A (p.Ile2289=)

Gene: CENPE (centromere protein E; minus strand). Cytogenetic location: 4q24.
Variant type: single nucleotide variant.
Coding change: c.6867C>A on transcript NM_001813.3 (MANE Select); coding-DNA position 6867, C replaced by A.
Protein change: p.Ile2289=; no amino-acid change (isoleucine 2289 retained).
Molecular consequence: synonymous variant.
Genome position (GRCh38, 1-based): chr4:103,132,750, G>T on the plus strand (C>A on the coding strand, the complement: CENPE is on the minus strand). VCF-style: chr4-103132750-G-T. GRCh37 (hg19) VCF-style: chr4-104053907-G-T.
Other names: c.6867C>A (NM_001813.2); c.6504C>A, p.Ile2168= (NM_001286734.2).
Identifiers: ClinVar variation 2654986 (VCV002654986.25), dbSNP rs145082410, ClinGen allele CA3029276.
Genomic context (GRCh38, chr4:103,132,750, plus strand): 5'-TACAATTATTCTGTTATTAAAGAAGTTATTCACTTGACAAATCCTATCATTTTCTTTCTG[G>T]ATGCCATTTTTAAGCTTTTCTATATCAAAACGAGTATTTAACCACTCTTCCAAAAACTGT-3'
Protein context (NP_001804.2, residues 2279-2299): RFDIEKLKNG[Ile2289=]QKENDRICQV